The following is an entry in ClinVar:

NM_000717.5(CA4):c.149G>C (p.Arg50Pro)

Gene: CA4 (carbonic anhydrase 4; plus strand). Cytogenetic location: 17q23.1.
Variant type: single nucleotide variant.
Coding change: c.149G>C on transcript NM_000717.5 (MANE Select); coding-DNA position 149, G replaced by C.
Protein change: p.Arg50Pro; replaces arginine 50 with proline.
Molecular consequence: missense variant. On other transcripts: non-coding transcript variant (1).
Genome position (GRCh38, 1-based): chr17:60,156,596, G>C. VCF-style: chr17-60156596-G-C. GRCh37 (hg19) VCF-style: chr17-58233957-G-C.
Other names: short protein forms R50P.
Identifiers: ClinVar variation 1003522 (VCV001003522.8), dbSNP rs777463944, ClinGen allele CA400453062.

ClinVar aggregate classification (germline): Uncertain significance (1 of 4 stars; one submission).

Submission:

Labcorp Genetics (formerly Invitae), Labcorp
Classification: Uncertain significance. Last evaluated: 2022-07-05. Review status: criteria provided, single submitter. Criteria: Invitae Variant Classification Sherloc (09022015). Collection method: clinical testing. Allele origin: germline.
Comment: In summary, the available evidence is currently insufficient to determine the role of this variant in disease. Therefore, it has been classified as a Variant of Uncertain Significance. Algorithms developed to predict the effect of missense changes on protein structure and function are either unavailable or do not agree on the potential impact of this missense change (SIFT: "Not Available"; PolyPhen-2: "Probably Damaging"; Align-GVGD: "Not Available"). ClinVar contains an entry for this variant (Variation ID: 1003522). This variant has not been reported in the literature in individuals affected with CA4-related conditions. This variant is not present in population databases (gnomAD no frequency). This sequence change replaces arginine, which is basic and polar, with proline, which is neutral and non-polar, at codon 50 of the CA4 protein (p.Arg50Pro).